The following is an entry in ClinVar:

NM_001723.7(DST):c.6800T>C (p.Ile2267Thr)

Gene: DST (dystonin; minus strand). Cytogenetic location: 6p12.1.
Variant type: single nucleotide variant.
Coding change: c.6800T>C on transcript NM_001723.7 (MANE Plus Clinical); coding-DNA position 6800, T replaced by C.
Protein change: p.Ile2267Thr; replaces isoleucine 2267 with threonine.
Molecular consequence: missense variant. On other transcripts: intron variant (10).
Genome position (GRCh38, 1-based): chr6:56,616,667, A>G on the plus strand (T>C on the coding strand, the complement: DST is on the minus strand). VCF-style: chr6-56616667-A-G. GRCh37 (hg19) VCF-style: chr6-56481465-A-G.
Other names: c.4831-2183T>C (NM_001144769.5); c.4930-2183T>C (NM_001374722.1, NM_001374736.1); c.4957-2183T>C (NM_001374734.1); c.4417-2183T>C (NM_001144770.2); c.4297-2183T>C (NM_001374730.1, NM_001386100.1, NM_183380.4 and 1 more transcripts); c.3319-2183T>C (NM_015548.5); short protein forms I2267T.
Identifiers: ClinVar variation 2930726 (VCV002930726.2), dbSNP rs762182235, ClinGen allele CA3870090.

ClinVar aggregate classification (germline): Uncertain significance (1 of 4 stars; one submission).

Conditions:
Hereditary sensory and autonomic neuropathy type 6. Also called: HSAN VI; Neuropathy, hereditary sensory and autonomic, type VI. Identifiers: Orphanet 314381, MedGen C3539003, MONDO:0013839, OMIM 614653.
Epidermolysis bullosa simplex 3, localized or generalized intermediate, with BP230 deficiency (EBS3). Also called: Epidermolysis bullosa simplex, autosomal recessive 2; Epidermolysis bullosa simplex due to BP230 deficiency. Identifiers: Orphanet 412181, MedGen C3809470, MONDO:0014180, OMIM 615425.

Allele frequency attached by ClinVar (database versions not stated): gnomAD exomes 0.00001; ExAC 0.00002; gnomAD 0.00003; TOPMed 0.00003.
gnomAD v4.1: 16 of 1,614,098 alleles (0.00099%); highest among the groups gnomAD compares: African/African-American, 0.0053%; no homozygotes.

Submission:

Labcorp Genetics (formerly Invitae), Labcorp
Classification: Uncertain significance for Epidermolysis bullosa simplex 3, localized or generalized intermediate, with BP230 deficiency; Hereditary sensory and autonomic neuropathy type 6. Last evaluated: 2024-02-03. Review status: criteria provided, single submitter. Criteria: Invitae Variant Classification Sherloc (09022015). Collection method: clinical testing. Allele origin: germline.
Comment: This sequence change replaces isoleucine, which is neutral and non-polar, with threonine, which is neutral and polar, at codon 2267 of the DST protein (p.Ile2267Thr). This variant is present in population databases (rs762182235, gnomAD 0.008%). This variant has not been reported in the literature in individuals affected with DST-related conditions. An algorithm developed to predict the effect of missense changes on protein structure and function (PolyPhen-2) suggests that this variant¬¨‚Ä†is likely to be tolerated. In summary, the available evidence is currently insufficient to determine the role of this variant in disease. Therefore, it has been classified as a Variant of Uncertain Significance.